The following is an entry in ClinVar:

ClinVar aggregate classification (germline): Uncertain significance (1 of 4 stars; one submission).

Conditions:
EGFR-related lung cancer (EGFR). Identifiers: MedGen CN130014.

Submission:

Labcorp Genetics (formerly Invitae), Labcorp
Classification: Uncertain significance for EGFR-related lung cancer. Last evaluated: 2023-04-22. Review status: criteria provided, single submitter. Criteria: Invitae Variant Classification Sherloc (09022015). Collection method: clinical testing. Allele origin: germline.
Comment: This sequence change replaces glutamic acid, which is acidic and polar, with glutamine, which is neutral and polar, at codon 711 of the EGFR protein (p.Glu711Gln). This variant is not present in population databases (gnomAD no frequency). This variant has not been reported in the literature in individuals affected with EGFR-related conditions. Advanced modeling of protein sequence and biophysical properties (such as structural, functional, and spatial information, amino acid conservation, physicochemical variation, residue mobility, and thermodynamic stability) performed at Invitae indicates that this missense variant is expected to disrupt EGFR protein function. In summary, the available evidence is currently insufficient to determine the role of this variant in disease. Therefore, it has been classified as a Variant of Uncertain Significance.

NM_005228.5(EGFR):c.2131G>C (p.Glu711Gln)

Gene: EGFR (epidermal growth factor receptor; plus strand). Cytogenetic location: 7p11.2.
Variant type: single nucleotide variant.
Coding change: c.2131G>C on transcript NM_005228.5 (MANE Select); coding-DNA position 2131, G replaced by C.
Protein change: p.Glu711Gln; replaces glutamic acid 711 with glutamine.
Molecular consequence: missense variant.
Genome position (GRCh38, 1-based): chr7:55,173,990, G>C. VCF-style: chr7-55173990-G-C. GRCh37 (hg19) VCF-style: chr7-55241683-G-C.
Other names: c.1996G>C, p.Glu666Gln (NM_001346897.2, NM_001346899.2); c.2131G>C, p.Glu711Gln (NM_001346898.2); c.1972G>C, p.Glu658Gln (NM_001346900.2); c.1330G>C, p.Glu444Gln (NM_001346941.2); short protein forms E658Q, E711Q, E444Q, E666Q.
Identifiers: ClinVar variation 2975667 (VCV002975667.3), dbSNP rs2128953662, ClinGen allele CA367583639.